The following is an entry in ClinVar:

NM_000535.7(PMS2):c.2008A>G (p.Lys670Glu)

Gene: PMS2 (PMS1 homolog 2, mismatch repair system component; minus strand). Cytogenetic location: 7p22.1.
Variant type: single nucleotide variant.
Coding change: c.2008A>G on transcript NM_000535.7 (MANE Select); coding-DNA position 2008, A replaced by G.
Protein change: p.Lys670Glu; replaces lysine 670 with glutamic acid.
Molecular consequence: missense variant. On other transcripts: non-coding transcript variant (1).
Genome position (GRCh38, 1-based): chr7:5,982,990, T>C on the plus strand (A>G on the coding strand, the complement: PMS2 is on the minus strand). VCF-style: chr7-5982990-T-C. GRCh37 (hg19) VCF-style: chr7-6022621-T-C.
Other names: c.1435A>G, p.Lys479Glu (NM_001322013.2); c.2008A>G, p.Lys670Glu (NM_001322014.2); c.1699A>G, p.Lys567Glu (NM_001322015.2); c.1603A>G, p.Lys535Glu (NM_001322003.2, NM_001322004.2, NM_001322005.2 and 1 more transcripts); c.1852A>G, p.Lys618Glu (NM_001322006.2); c.1690A>G, p.Lys564Glu (NM_001322007.2, NM_001322008.2); c.1447A>G, p.Lys483Glu (NM_001322010.2); c.1075A>G, p.Lys359Glu (NM_001322011.2, NM_001322012.2); short protein forms K670E, K479E, K567E, K359E, K483E, K535E, K564E, K618E.
Identifiers: ClinVar variation 517233 (VCV000517233.20), dbSNP rs1554295980, ClinGen allele CA366738199.

ClinVar aggregate classification (germline): Uncertain significance. Review status: criteria provided, multiple submitters, no conflicts (2 of 4 stars). 5 submissions from 5 submitters: Uncertain significance (5). Last evaluated 2025-12-11.

Conditions:
Hereditary nonpolyposis colorectal neoplasms. Identifiers: MedGen C0009405, MeSH D003123.
Lynch syndrome 4 (LYNCH4). Also called: Colorectal cancer, hereditary nonpolyposis, type 4; Hereditary non-polyposis colorectal cancer, type 4. Identifiers: Orphanet 144, MedGen C1838333, MONDO:0013699, OMIM 614337. Disease mechanism: loss of function.
Mismatch repair cancer syndrome 4. Identifiers: MedGen C5436817, MONDO:0030843, OMIM 619101.
Hereditary cancer-predisposing syndrome. Also called: Tumor predisposition; Hereditary neoplastic syndrome; Neoplastic Syndromes, Hereditary; Hereditary Cancer Syndrome. Identifiers: Orphanet 140162, MedGen C0027672, MeSH D009386, MONDO:0015356.

Submissions (5):

Ambry Genetics
Classification: Uncertain significance for Hereditary cancer-predisposing syndrome. Last evaluated: 2025-12-11. Review status: criteria provided, single submitter. Criteria: Ambry Variant Classification Scheme 2023. Collection method: clinical testing. Allele origin: germline.
Comment: The p.K670E variant (also known as c.2008A>G), located in coding exon 12 of the PMS2 gene, results from an A to G substitution at nucleotide position 2008. The lysine at codon 670 is replaced by glutamic acid, an amino acid with similar properties. This amino acid position is highly conserved in available vertebrate species. In addition, this alteration is predicted to be deleterious by in silico analysis. Based on the available evidence, the clinical significance of this variant remains unclear.

Labcorp Genetics (formerly Invitae), Labcorp
Classification: Uncertain significance for Hereditary nonpolyposis colorectal neoplasms. Last evaluated: 2025-03-03. Review status: criteria provided, single submitter. Criteria: Invitae Variant Classification Sherloc (09022015). Collection method: clinical testing. Allele origin: germline.
Comment: This sequence change replaces lysine, which is basic and polar, with glutamic acid, which is acidic and polar, at codon 670 of the PMS2 protein (p.Lys670Glu). The frequency data for this variant in the population databases (gnomAD) is considered unreliable due to the presence of homologous sequence, such as pseudogenes or paralogs, in the genome. This missense change has been observed in individual(s) with clinical features of hereditary breast and ovarian cancer (PMID: 29752822, 35449176). ClinVar contains an entry for this variant (Variation ID: 517233). Invitae Evidence Modeling incorporating data from in vitro experimental studies (internal data) indicates that this missense variant is not expected to disrupt PMS2 function with a negative predictive value of 95%. In summary, the available evidence is currently insufficient to determine the role of this variant in disease. Therefore, it has been classified as a Variant of Uncertain Significance.

Fulgent Genetics
Classification: Uncertain significance for Lynch syndrome 4; Mismatch repair cancer syndrome 4. Last evaluated: 2021-10-21. Review status: criteria provided, single submitter. Criteria: ACMG Guidelines, 2015. Collection method: clinical testing. Allele origin: unknown.

Women's Health and Genetics/Laboratory Corporation of America, LabCorp
Classification: Uncertain significance. Last evaluated: 2019-04-22. Review status: criteria provided, single submitter. Criteria: LabCorp Variant Classification Summary - May 2015. Collection method: clinical testing. Allele origin: germline.
Comment: Variant summary: PMS2 c.2008A>G (p.Lys670Glu) results in a conservative amino acid change in the encoded protein sequence. Four of five in-silico tools predict a damaging effect of the variant on protein function. 5/5 computational tools predict no significant impact on normal splicing. However, these predictions have yet to be confirmed by functional studies. The variant was absent in 165648 control chromosomes (gnomAD). The available data on variant occurrences in the general population are insufficient to allow any conclusion about variant significance. The variant, c.2008A>G, has been reported in the literature in individuals affected with breast cancer (Li_2018). This report does not provide unequivocal conclusions about association of the variant with Lynch Syndrome. To our knowledge, no experimental evidence demonstrating an impact on protein function has been reported. One clinical diagnostic laboratory has submitted clinical-significance assessments for this variant to ClinVar after 2014 without evidence for independent evaluation and classified the variant as uncertain significance. Based on the evidence outlined above, the variant was classified as uncertain significance.

Laboratory for Molecular Medicine, Mass General Brigham Personalized Medicine
Classification: Uncertain significance. Last evaluated: 2017-02-20. Review status: criteria provided, single submitter. Criteria: LMM Criteria. Collection method: clinical testing. Allele origin: germline. Observed: 1 variant allele.
Comment: The p.Lys670Glu variant in PMS2 has not been previously reported in individuals with Lynch syndrome or in large population studies. Computational prediction too ls and conservation analysis suggest that the p.Lys670Glu variant may impact the protein, though this information is not predictive enough to determine pathogen icity. In summary, the clinical significance of the p.Lys670Glu variant is uncer tain.

Literature cited by the submitters: PubMed 29752822 (cited by 3 submitters); PubMed 31422818 (cited by Ambry Genetics); PubMed 35449176 (cited by Labcorp Genetics (formerly Invitae), Labcorp).